The following is an entry in ClinVar:

NM_000441.2(SLC26A4):c.327del (p.Ala110fs)

Gene: SLC26A4 (solute carrier family 26 member 4; plus strand). Cytogenetic location: 7q22.3.
Variant type: Deletion.
Coding change: c.327del on transcript NM_000441.2 (MANE Select); coding-DNA position 327, one base deleted (T; older notation c.327delT).
Protein change: p.Ala110fs; shifts the reading frame from alanine 110.
Molecular consequence: frameshift variant.
Genome position (GRCh38, 1-based): chr7:107,672,160, T deleted. VCF-style (leftmost placement, unchanged base first): chr7-107672159-CT-C. GRCh37 (hg19) VCF-style: chr7-107312604-CT-C.
Other names: c.327del (NM_000441.1); short protein forms A110fs.
Identifiers: ClinVar variation 3601771 (VCV003601771.2).

ClinVar aggregate classification (germline): Pathogenic/Likely pathogenic. Review status: criteria provided, multiple submitters, no conflicts (2 of 4 stars). 2 submissions from 2 submitters: Pathogenic (1); Likely pathogenic (1). Last evaluated 2025-01-09.

Conditions:
Pendred syndrome (PDS). Also called: GOITER-DEAFNESS SYNDROME; HYPOTHYROIDISM, CONGENITAL, DUE TO DYSHORMONOGENESIS, 2B; THYROID DYSHORMONOGENESIS 2B; THYROID HORMONOGENESIS, GENETIC DEFECT IN, 2B; Pendred's syndrome; DEAFNESS WITH GOITER. Identifiers: Orphanet 705, MedGen C0271829, MONDO:0010134, OMIM 274600.
Autosomal recessive nonsyndromic hearing loss 4 (DFNB4). Also called: NEUROSENSORY NONSYNDROMIC RECESSIVE DEAFNESS 4; Nonsyndromic enlarged vestibular aqueduct (NSEVA); Deafness, autosomal recessive 4; FOXI1-Related Pendred Syndrome; KCNJ10-Related Pendred Syndrome; Enlarged vestibular aqueduct, digenic. Identifiers: Orphanet 90636, MedGen C3538946, MONDO:0010933, OMIM 600791.

Submissions (2):

Institute of Rare Diseases, West China Hospital, Sichuan University
Classification: Pathogenic for Autosomal recessive nonsyndromic hearing loss 4. Last evaluated: 2025-01-09. Review status: criteria provided, single submitter. Criteria: ClinGen HL ACMG Specifications v1. Collection method: research. Allele origin: germline. Affected: yes.
Comment: PVS1;PM3_Strong;PP4;PM2_Supporting

Natera, Inc.
Classification: Likely pathogenic for Pendred syndrome. Last evaluated: 2024-09-04. Review status: criteria provided, single submitter. Criteria: Natera Variant Classification Schema (03/2026). Collection method: clinical testing. Allele origin: germline.
Comment: The c.327del variant in SLC26A4 is a frameshift variant predicted to shift the reading frame beginning at codon 110 and leads to a stop codon 16 codons downstream. This variant is expected to result in nonsense mediated decay, truncation, or a dysfunctional protein product. This variant is rare in the general population with a frequency below the threshold expected for the associated phenotype(s). Given the available evidence, this variant is classified as Likely Pathogenic.